The following is an entry in ClinVar:

NM_020937.4(FANCM):c.166G>A (p.Val56Met)

Gene: FANCM (FA complementation group M; plus strand). Cytogenetic location: 14q21.2.
Variant type: single nucleotide variant.
Coding change: c.166G>A on transcript NM_020937.4 (MANE Select); coding-DNA position 166, G replaced by A.
Protein change: p.Val56Met; replaces valine 56 with methionine.
Molecular consequence: missense variant.
Genome position (GRCh38, 1-based): chr14:45,136,197, G>A. VCF-style: chr14-45136197-G-A. GRCh37 (hg19) VCF-style: chr14-45605400-G-A.
Other names: c.166G>A, p.Val56Met (NM_001308133.2, NM_001308134.2); short protein forms V56M.
Identifiers: ClinVar variation 3848696 (VCV003848696.1).
Genomic context (GRCh38, chr14:45,136,197, plus strand): 5'-GGCAGCTCCAAGGCGCCTTTGCCAGCAGCAGCGGAGGCTCAGCTGGAGTCGGACGATGAT[G>A]TGTTGCTTGTCGCGGCGTACGAGGCTGAGCGGCAGTTGTGTCTAGAGAATGGCGGGTTCT-3'
Protein context (NP_065988.1, residues 46-66): AEAQLESDDD[Val56Met]LLVAAYEAER

ClinVar aggregate classification (germline): Uncertain significance (1 of 4 stars; one submission).

Conditions:
Inborn genetic diseases. Identifiers: MedGen C0950123, MeSH D030342.

Submission:

Ambry Genetics
Classification: Uncertain significance for Inborn genetic diseases. Last evaluated: 2025-02-04. Review status: criteria provided, single submitter. Criteria: Ambry Variant Classification Scheme 2023. Collection method: clinical testing. Allele origin: germline.
Comment: The p.V56M variant (also known as c.166G>A), located in coding exon 1 of the FANCM gene, results from a G to A substitution at nucleotide position 166. The valine at codon 56 is replaced by methionine, an amino acid with highly similar properties. This amino acid position is conserved. In addition, this alteration is predicted to be tolerated by in silico analysis. Based on the available evidence, the clinical significance of this variant remains unclear.